The following is an entry in ClinVar:

ClinVar aggregate classification (germline): Likely benign (1 of 4 stars; one submission).

Allele frequency attached by ClinVar (database versions not stated): gnomAD exomes 0.00119; gnomAD 0.01141 and 0.01217; 1000 Genomes Project 0.01198; TOPMed 0.01264; 1000 Genomes Project 30x 0.01390.
gnomAD v4.1: 2,824 of 1,029,656 alleles (0.27%); highest among the groups gnomAD compares: African/African-American, 4%; 52 homozygotes.

Submission:

GeneDx
Classification: Likely benign. Last evaluated: 2018-06-14. Review status: criteria provided, single submitter. Criteria: GeneDx Variant Classification (06012015). Collection method: clinical testing. Allele origin: germline. Affected: yes.
Comment: This variant is considered likely benign or benign based on one or more of the following criteria: it is a conservative change, it occurs at a poorly conserved position in the protein, it is predicted to be benign by multiple in silico algorithms, and/or has population frequency not consistent with disease.

NM_016373.4(WWOX):c.1057-142C>G

Genes: MAF (MAF bZIP transcription factor; minus strand), WWOX (WW domain containing oxidoreductase; plus strand). Cytogenetic location: 16q23.2.
Variant type: single nucleotide variant.
Coding change: c.1057-142C>G on transcript NM_016373.4 (MANE Select); 142 bases into the intron before coding-DNA position 1057, C replaced by G.
Molecular consequence: intron variant.
Genome position (GRCh38, 1-based): chr16:79,211,466, C>G. VCF-style: chr16-79211466-C-G. GRCh37 (hg19) VCF-style: chr16-79245363-C-G.
Other names: c.718-142C>G (NM_001291997.2).
Identifiers: ClinVar variation 677512 (VCV000677512.1), dbSNP rs16949964, ClinGen allele CA284130833.